The following is an entry in ClinVar:

ClinVar aggregate classification (germline): Conflicting classifications of pathogenicity. Review status: criteria provided, conflicting classifications (1 of 4 stars). 2 submissions from 2 submitters: Uncertain significance (1); Likely benign (1). Last evaluated 2026-07-06.

Conditions:
Hereditary cancer-predisposing syndrome. Also called: Neoplastic Syndromes, Hereditary; Tumor predisposition; Hereditary Cancer Syndrome; Hereditary neoplastic syndrome. Identifiers: Orphanet 140162, MedGen C0027672, MeSH D009386, MONDO:0015356.
Multiple endocrine neoplasia, type 2 (MEN2). Identifiers: Orphanet 653, MedGen C4048306, MONDO:0019003. Disease mechanism: gain of function.

Submissions (2):

Ambry Genetics
Classification: Uncertain significance for Hereditary cancer-predisposing syndrome. Last evaluated: 2026-07-06. Review status: criteria provided, single submitter. Criteria: Ambry Variant Classification Scheme 2023. Collection method: clinical testing. Allele origin: germline.
Comment: The p.I1065T variant (also known as c.3194T>C), located in coding exon 19 of the RET gene, results from a T to C substitution at nucleotide position 3194. The isoleucine at codon 1065 is replaced by threonine, an amino acid with similar properties. This amino acid position is conserved. In addition, the in silico prediction for this alteration is inconclusive. Based on the available evidence, the clinical significance of this variant remains unclear.

Labcorp Genetics (formerly Invitae), Labcorp
Classification: Likely benign for Multiple endocrine neoplasia, type 2. Last evaluated: 2020-03-03. Review status: criteria provided, single submitter. Criteria: Invitae Variant Classification Sherloc (09022015). Collection method: clinical testing. Allele origin: germline.

NM_020975.6(RET):c.3187+7T>C

Gene: RET (ret proto-oncogene; plus strand). Cytogenetic location: 10q11.21.
Variant type: single nucleotide variant.
Coding change: c.3187+7T>C on transcript NM_020975.6 (MANE Select); 7 bases into the intron after coding-DNA position 3187, T replaced by C.
Molecular consequence: intron variant. On other transcripts: missense variant (18).
Genome position (GRCh38, 1-based): chr10:43,126,729, T>C. VCF-style: chr10-43126729-T-C. GRCh37 (hg19) VCF-style: chr10-43622177-T-C.
Other names: c.2432T>C, p.Ile811Thr (NM_001355216.2); c.3065T>C, p.Ile1022Thr (NM_001406764.1); c.3059T>C, p.Ile1020Thr (NM_001406765.1); c.2930T>C, p.Ile977Thr (NM_001406768.1); c.2906T>C, p.Ile969Thr (NM_001406770.1); c.2798T>C, p.Ile933Thr (NM_001406772.1); c.2756T>C, p.Ile919Thr (NM_001406773.1); c.2669T>C, p.Ile890Thr (NM_001406774.1); and 10 more; short protein forms I1065T, I811T, I723T, I726T, I890T, I933T, I1020T, I1022T.
Identifiers: ClinVar variation 1100199 (VCV001100199.11), dbSNP rs2133038267, ClinGen allele CA376558580.